The following is an entry in ClinVar:

ClinVar aggregate classification (germline): Pathogenic/Likely pathogenic. Review status: criteria provided, multiple submitters, no conflicts (2 of 4 stars). 11 submissions from 11 submitters: Pathogenic (9); Likely pathogenic (1). 1 of the submissions does not count toward it. Last evaluated 2025-05-06.

Conditions:
NPC1-related disorder. Also called: NPC1-related condition.
Niemann-Pick disease, type C1. Also called: NEUROVISCERAL STORAGE DISEASE WITH VERTICAL SUPRANUCLEAR OPHTHALMOPLEGIA; NIEMANN-PICK DISEASE WITH CHOLESTEROL ESTERIFICATION BLOCK; NIEMANN-PICK DISEASE WITHOUT SPHINGOMYELINASE DEFICIENCY; NIEMANN-PICK DISEASE, CHRONIC NEURONOPATHIC FORM; NIEMANN-PICK DISEASE, VARIANT TYPE C1. Identifiers: Orphanet 646, MedGen C3179455, MONDO:0009757, OMIM 257220.

Allele frequency attached by ClinVar (database versions not stated): TOPMed below 0.00001; ExAC 0.00001; gnomAD 0.00001; gnomAD exomes 0.00001.

Submissions (11):

Women's Health and Genetics/Laboratory Corporation of America, LabCorp
Classification: Pathogenic for Niemann-Pick disease, type C1. Last evaluated: 2025-05-06. Review status: criteria provided, single submitter. Criteria: LabCorp Variant Classification Summary - May 2015. Collection method: clinical testing. Allele origin: germline.
Comment: Variant summary: NPC1 c.2196dupT (p.Pro733SerfsX10) results in a premature termination codon, predicted to cause a truncation of the encoded protein or absence of the protein due to nonsense mediated decay, which are commonly known mechanisms for disease. The variant allele was found at a frequency of 8e-06 in 251280 control chromosomes. c.2196dupT has been observed in individual(s) affected with Niemann-Pick disease, type C1 (Degtyareva_2016). To our knowledge, no experimental evidence demonstrating an impact on protein function has been reported. The following publication have been ascertained in the context of this evaluation (PMID: 27250337). ClinVar contains an entry for this variant (Variation ID: 92706). Based on the evidence outlined above, the variant was classified as pathogenic.

Natera, Inc.
Classification: Pathogenic for Niemann-Pick disease type C1. Last evaluated: 2025-02-18. Review status: criteria provided, single submitter. Criteria: Natera Variant Classification Schema (03/2026). Collection method: clinical testing. Allele origin: germline.
Comment: The c.2196dupT variant in NPC1 is a frameshift variant predicted to shift the reading frame beginning at codon 733 and leads to a stop codon 10 codons downstream. This variant is expected to result in nonsense mediated decay, truncation, or a dysfunctional protein product. This variant is rare in the general population with a frequency below the threshold expected for the associated phenotype(s). This variant has been observed in one or more individuals affected with the associated recessive disease, as either homozygous or compound heterozygous with a second variant (PMID: 25236789). Given the available evidence, this variant is classified as Pathogenic.

Labcorp Genetics (formerly Invitae), Labcorp
Classification: Pathogenic for Niemann-Pick disease, type C1. Last evaluated: 2024-02-26. Review status: criteria provided, single submitter. Criteria: Invitae Variant Classification Sherloc (09022015). Collection method: clinical testing. Allele origin: germline.
Comment: This sequence change creates a premature translational stop signal (p.Pro733Serfs*10) in the NPC1 gene. It is expected to result in an absent or disrupted protein product. Loss-of-function variants in NPC1 are known to be pathogenic (PMID: 9211850). This variant is present in population databases (rs398123284, gnomAD 0.005%). This premature translational stop signal has been observed in individual(s) with Niemann-Pick disease type C (PMID: 27250337). This variant is also known as c.2196_2197insT. ClinVar contains an entry for this variant (Variation ID: 92706). Algorithms developed to predict the effect of sequence changes on RNA splicing suggest that this variant may disrupt the consensus splice site. For these reasons, this variant has been classified as Pathogenic.

Blueprint Genetics
Classification: Pathogenic for NPC1-related disorders. Last evaluated: 2023-10-30. Review status: criteria provided, single submitter. Criteria: ACMG Guidelines, 2015. Collection method: clinical testing. Allele origin: germline. Affected: yes. Observed: 1 variant allele.

CeGaT Center for Human Genetics Tuebingen
Classification: Pathogenic. Last evaluated: 2023-04-01. Review status: criteria provided, single submitter. Criteria: CeGaT Center For Human Genetics Tuebingen Variant Classification Criteria Version 2. Collection method: clinical testing. Allele origin: germline. Affected: yes. Observed: 1 variant allele.
Comment: NPC1: PVS1, PM2, PM3

Department of Pathology and Laboratory Medicine, Sinai Health System
Classification: Likely pathogenic for Niemann-Pick disease, type C1. Last evaluated: 2023-02-20. Review status: criteria provided, single submitter. Criteria: ACMG Guidelines, 2015. Collection method: research. Allele origin: germline.

Fulgent Genetics
Classification: Pathogenic for Niemann-Pick disease, type C1. Last evaluated: 2021-08-23. Review status: criteria provided, single submitter. Criteria: ACMG Guidelines, 2015. Collection method: clinical testing. Allele origin: unknown.

Institute of Human Genetics Munich, TUM University Hospital
Classification: Pathogenic for Niemann-Pick disease, type C1. Last evaluated: 2019-02-21. Review status: criteria provided, single submitter. Criteria: Classification criteria August 2017. Collection method: clinical testing. Allele origin: paternal. Inheritance: Autosomal recessive inheritance. Affected: yes. Observed: 1 compound heterozygote.

Genetic Services Laboratory, University of Chicago
Classification: Pathogenic for Niemann-Pick disease, type C1. Last evaluated: 2016-03-21. Review status: criteria provided, single submitter. Criteria: ACMG Guidelines, 2015. Collection method: clinical testing. Allele origin: germline. Affected: yes.

Eurofins Ntd Llc (ga)
Classification: Pathogenic. Last evaluated: 2012-07-23. Review status: criteria provided, single submitter. Criteria: EGL Classification Definitions. Collection method: clinical testing. Allele origin: germline. Observed: 1 variant allele, 1 heterozygote.

Counsyl
Classification: Pathogenic for Niemann-Pick disease, type C1. Last evaluated: 2016-08-18. Review status: no assertion criteria provided. Collection method: clinical testing. Allele origin: unknown. Not counted in ClinVar's aggregate classification.

Literature cited by the submitters: PubMed 27250337 (cited by Women's Health and Genetics/Laboratory Corporation of America, LabCorp and Labcorp Genetics (formerly Invitae), Labcorp); PubMed 25236789 (cited by Natera, Inc.); PubMed 9211850 (cited by Labcorp Genetics (formerly Invitae), Labcorp); PubMed 23757202 (cited by Eurofins Ntd Llc (ga)); PubMed 23433426 (cited by Counsyl).

NM_000271.5(NPC1):c.2196dup (p.Pro733fs)

Gene: NPC1 (NPC intracellular cholesterol transporter 1; minus strand). Cytogenetic location: 18q11.2.
Variant type: Duplication.
Coding change: c.2196dup on transcript NM_000271.5 (MANE Select); coding-DNA position 2196, one base duplicated (T; older notation c.2196dupT).
Protein change: p.Pro733fs; shifts the reading frame from proline 733.
Molecular consequence: frameshift variant.
Genome position (GRCh38, 1-based): chr18:23,543,504, A duplicated on the plus strand (T on the coding strand, the reverse complement: NPC1 is on the minus strand). VCF-style (leftmost placement, unchanged base first): chr18-23543503-G-GA. GRCh37 (hg19) VCF-style: chr18-21123467-G-GA.
Other names: c.2196dupT (NM_000271.5); c.2196dup (NM_000271.4); short protein forms P733fs.
Identifiers: ClinVar variation 92706 (VCV000092706.54), dbSNP rs398123284, ClinGen allele CA220560.